The following is an entry in ClinVar:

ClinVar aggregate classification (germline): Uncertain significance (1 of 4 stars; one submission).

Conditions:
Neuronal ceroid lipofuscinosis 1 (CLN1). Also called: PPT1-Related Neuronal Ceroid-Lipofuscinosis; CEROID LIPOFUSCINOSIS, NEURONAL, 1, VARIABLE AGE AT ONSET. Identifiers: Orphanet 228329, MedGen C1850451, MONDO:0009744, OMIM 256730.

gnomAD v4.1: 1 of 1,613,840 alleles (0.000062%); highest among the groups gnomAD compares: Non-Finnish European, 0.000085%; no homozygotes.

Submission:

Labcorp Genetics (formerly Invitae), Labcorp
Classification: Uncertain significance for Neuronal ceroid lipofuscinosis 1. Last evaluated: 2025-08-26. Review status: criteria provided, single submitter. Criteria: Invitae Variant Classification Sherloc (09022015). Collection method: clinical testing. Allele origin: germline.
Comment: This sequence change replaces alanine, which is neutral and non-polar, with glycine, which is neutral and non-polar, at codon 2 of the PPT1 protein (p.Ala2Gly). This variant is not present in population databases (gnomAD no frequency). This variant has not been reported in the literature in individuals affected with PPT1-related conditions. Invitae Evidence Modeling of protein sequence and biophysical properties (such as structural, functional, and spatial information, amino acid conservation, physicochemical variation, residue mobility, and thermodynamic stability) indicates that this missense variant is expected to disrupt PPT1 protein function with a positive predictive value of 95%. In summary, the available evidence is currently insufficient to determine the role of this variant in disease. Therefore, it has been classified as a Variant of Uncertain Significance.

NM_000310.4(PPT1):c.5C>G (p.Ala2Gly)

Gene: PPT1 (palmitoyl-protein thioesterase 1; minus strand). Cytogenetic location: 1p34.2.
Variant type: single nucleotide variant.
Coding change: c.5C>G on transcript NM_000310.4 (MANE Select); coding-DNA position 5, C replaced by G.
Protein change: p.Ala2Gly; replaces alanine 2 with glycine.
Molecular consequence: missense variant.
Genome position (GRCh38, 1-based): chr1:40,097,234, G>C on the plus strand (C>G on the coding strand, the complement: PPT1 is on the minus strand). VCF-style: chr1-40097234-G-C. GRCh37 (hg19) VCF-style: chr1-40562906-G-C.
Other names: c.5C>G, p.Ala2Gly (NM_001142604.2, NM_001363695.2); short protein forms A2G.
Identifiers: ClinVar variation 4747999 (VCV004747999.1).
Genomic context (GRCh38, chr1:40,097,234, plus strand): 5'-CGAGAAGCGCAGGTCCATGGCAGGAGAGCCACAGCCAAGAGCCACAGGCAGCCGGGCGAC[G>C]CCATCTTCGCTGTGTCACATGACCGCGGGCGCGAGACTCCGGGAACCGCGCTCCGCCCGC-3'
Protein context (NP_000301.1, residues 1-12): M[Ala2Gly]SPGCLWLLAV